The following is an entry in ClinVar:

ClinVar aggregate classification (germline): Likely benign. Review status: criteria provided, multiple submitters, no conflicts (2 of 4 stars). 4 submissions from 4 submitters: Likely benign (4). Last evaluated 2026-06-10.

Allele frequency attached by ClinVar (database versions not stated): ExAC below 0.00001; TOPMed 0.00022; 1000 Genomes Project 30x 0.00031.
gnomAD v4.1: 331 of 1,265,660 alleles (0.026%); highest among the groups gnomAD compares: Non-Finnish European, 0.031%; no homozygotes.

Submissions (4):

Women's Health and Genetics/Laboratory Corporation of America, LabCorp
Classification: Likely benign. Last evaluated: 2026-06-10. Review status: criteria provided, single submitter. Criteria: LabCorp Variant Classification Summary - May 2015. Collection method: clinical testing. Allele origin: germline.

Labcorp Genetics (formerly Invitae), Labcorp
Classification: Likely benign. Last evaluated: 2025-12-29. Review status: criteria provided, single submitter. Criteria: Invitae Variant Classification Sherloc (09022015). Collection method: clinical testing. Allele origin: germline.

Blueprint Genetics
Classification: Likely benign. Last evaluated: 2024-11-07. Review status: criteria provided, single submitter. Criteria: ACMG Guidelines, 2015. Collection method: clinical testing. Allele origin: germline.

CeGaT Center for Human Genetics Tuebingen
Classification: Likely benign. Last evaluated: 2023-03-01. Review status: criteria provided, single submitter. Criteria: CeGaT Center For Human Genetics Tuebingen Variant Classification Criteria Version 2. Collection method: clinical testing. Allele origin: germline. Affected: yes. Observed: 1 variant allele.
Comment: CTDP1: BP4, BP7

NM_004715.5(CTDP1):c.78G>C (p.Gly26=)

Gene: CTDP1 (CTD phosphatase 1; plus strand). Cytogenetic location: 18q23.
Variant type: single nucleotide variant.
Coding change: c.78G>C on transcript NM_004715.5 (MANE Select); coding-DNA position 78, G replaced by C.
Protein change: p.Gly26=; no amino-acid change (glycine 26 retained).
Molecular consequence: synonymous variant.
Genome position (GRCh38, 1-based): chr18:79,680,025, G>C. VCF-style: chr18-79680025-G-C. GRCh37 (hg19) VCF-style: chr18-77440025-G-C.
Other names: c.78G>C, p.Gly26= (NM_001318511.2, NM_048368.4).
Identifiers: ClinVar variation 732570 (VCV000732570.37), dbSNP rs777163921, ClinGen allele CA9009882.